The following is an entry in ClinVar:

NM_004235.6(KLF4):c.1100-7C>A

Gene: KLF4 (KLF transcription factor 4; minus strand). Cytogenetic location: 9q31.2.
Variant type: single nucleotide variant.
Coding change: c.1100-7C>A on transcript NM_004235.6 (MANE Select); 7 bases into the intron before coding-DNA position 1100, C replaced by A.
Molecular consequence: intron variant. On other transcripts: missense variant (1).
Genome position (GRCh38, 1-based): chr9:107,487,199, G>T on the plus strand (C>A on the coding strand, the complement: KLF4 is on the minus strand). VCF-style: chr9-107487199-G-T. GRCh37 (hg19) VCF-style: chr9-110249480-G-T.
Other names: NC_000009.11:g.110249480G>T; c.1195C>A, p.Pro399Thr (NM_001314052.2); short protein forms P399T.
Identifiers: ClinVar variation 3033832 (VCV003033832.3), dbSNP rs188071068, ClinGen allele CA5173096.

ClinVar aggregate classification (germline): Benign (0 of 4 stars; one submission).

Conditions:
KLF4-related disorder. Also called: KLF4-related condition.

Allele frequency attached by ClinVar (database versions not stated): TOPMed 0.00046; 1000 Genomes Project 30x 0.00234; 1000 Genomes Project 0.00240.
gnomAD v4.1: 835 of 1,613,794 alleles (0.052%); highest among the groups gnomAD compares: East Asian, 1.6%; 8 homozygotes.

Submissions (10):

PreventionGenetics, part of Exact Sciences
Classification: Benign for KLF4-related condition. Last evaluated: 2020-01-20. Review status: no assertion criteria provided. Collection method: clinical testing. Allele origin: germline.
Comment: This variant is classified as benign based on ACMG/AMP sequence variant interpretation guidelines (Richards et al. 2015 PMID: 25741868, with internal and published modifications).

Dr. Peter K. Rogan Lab, Western University
No classification provided (evidence only). Condition: Familial cancer of breast. Review status: no classification provided. Collection method: in vitro. Allele origin: not applicable. Functional consequence: retained intron. Not counted in ClinVar's aggregate classification.

Dr. Peter K. Rogan Lab, Western University
No classification provided (evidence only). Condition: Familial cancer of breast. Review status: no classification provided. Collection method: in vitro. Allele origin: not applicable. Functional consequence: retained intron. Not counted in ClinVar's aggregate classification.

Dr. Peter K. Rogan Lab, Western University
No classification provided (evidence only). Condition: Gastric cancer. Review status: no classification provided. Collection method: in vitro. Allele origin: not applicable. Functional consequence: retained intron. Not counted in ClinVar's aggregate classification.

Dr. Peter K. Rogan Lab, Western University
No classification provided (evidence only). Condition: Gastric cancer. Review status: no classification provided. Collection method: in vitro. Allele origin: not applicable. Functional consequence: retained intron. Not counted in ClinVar's aggregate classification.

Dr. Peter K. Rogan Lab, Western University
No classification provided (evidence only). Condition: Gastric cancer. Review status: no classification provided. Collection method: in vitro. Allele origin: not applicable. Functional consequence: retained intron. Not counted in ClinVar's aggregate classification.

Dr. Peter K. Rogan Lab, Western University
No classification provided (evidence only). Condition: Gastric cancer. Review status: no classification provided. Collection method: in vitro. Allele origin: not applicable. Functional consequence: retained intron. Not counted in ClinVar's aggregate classification.

Dr. Peter K. Rogan Lab, Western University
No classification provided (evidence only). Condition: Uterine carcinosarcoma. Review status: no classification provided. Collection method: in vitro. Allele origin: not applicable. Functional consequence: retained intron. Not counted in ClinVar's aggregate classification.

Dr. Peter K. Rogan Lab, Western University
No classification provided (evidence only). Condition: Hepatocellular carcinoma. Review status: no classification provided. Collection method: in vitro. Allele origin: not applicable. Functional consequence: retained intron. Not counted in ClinVar's aggregate classification.

Dr. Peter K. Rogan Lab, Western University
No classification provided (evidence only). Condition: Hepatocellular carcinoma. Review status: no classification provided. Collection method: in vitro. Allele origin: not applicable. Functional consequence: retained intron. Not counted in ClinVar's aggregate classification.